The following is an entry in ClinVar:

ClinVar aggregate classification (germline): Conflicting classifications of pathogenicity. Review status: criteria provided, conflicting classifications (1 of 4 stars). 5 submissions from 5 submitters: Uncertain significance (4); Benign (1). Last evaluated 2026-04-09.

Conditions:
Gastrointestinal stromal tumor. Also called: Gastrointestinal stroma tumor; Gastrointestinal stromal tumor, somatic. Identifiers: Orphanet 44890, MedGen C0238198, MeSH D046152, MONDO:0011719, OMIM 606764, HP:0100723.
PDGFRA-related disorder. Also called: PDGFRA-related condition.
Polyps, multiple and recurrent inflammatory fibroid, gastrointestinal. Identifiers: MedGen C5193005, MONDO:0008285, OMIM 175510.
Hereditary cancer-predisposing syndrome. Also called: Tumor predisposition; Hereditary neoplastic syndrome; Neoplastic Syndromes, Hereditary; Hereditary Cancer Syndrome. Identifiers: Orphanet 140162, MedGen C0027672, MeSH D009386, MONDO:0015356.

Allele frequency attached by ClinVar (database versions not stated): gnomAD exomes below 0.00001 and 0.00002; gnomAD 0.00001; ExAC 0.00002; 1000 Genomes Project 0.00020; 1000 Genomes Project 30x 0.00031.
gnomAD v4.1: 5 of 1,614,018 alleles (0.00031%); highest among the groups gnomAD compares: Admixed American, 0.005%; no homozygotes.

Submissions (5):

PreventionGenetics, part of Exact Sciences
Classification: Uncertain significance for PDGFRA-related condition. Last evaluated: 2026-04-09. Review status: criteria provided, single submitter. Criteria: ACMG Guidelines, 2015. Collection method: clinical testing. Allele origin: germline.
Comment: The PDGFRA c.592T>A variant is predicted to result in the amino acid substitution p.Phe198Ile. To our knowledge, this variant has not been reported in the literature. This variant is reported in 0.0087% of alleles in individuals of Latino descent in gnomAD. This variant has conflicting interpretations of pathogenicity in ClinVar ranging from benign to uncertain (Variation ID: 1003659). At this time, the clinical significance of this variant is uncertain due to the absence of conclusive functional and genetic evidence.

Labcorp Genetics (formerly Invitae), Labcorp
Classification: Uncertain significance for Gastrointestinal stromal tumor. Last evaluated: 2025-06-09. Review status: criteria provided, single submitter. Criteria: Invitae Variant Classification Sherloc (09022015). Collection method: clinical testing. Allele origin: germline.
Comment: This sequence change replaces phenylalanine, which is neutral and non-polar, with isoleucine, which is neutral and non-polar, at codon 198 of the PDGFRA protein (p.Phe198Ile). This variant is present in population databases (rs562479351, gnomAD 0.009%). This variant has not been reported in the literature in individuals affected with PDGFRA-related conditions. ClinVar contains an entry for this variant (Variation ID: 1003659). Invitae Evidence Modeling of protein sequence and biophysical properties (such as structural, functional, and spatial information, amino acid conservation, physicochemical variation, residue mobility, and thermodynamic stability) indicates that this missense variant is not expected to disrupt PDGFRA protein function with a negative predictive value of 80%. In summary, the available evidence is currently insufficient to determine the role of this variant in disease. Therefore, it has been classified as a Variant of Uncertain Significance.

Ambry Genetics
Classification: Benign for Hereditary cancer-predisposing syndrome. Last evaluated: 2024-10-28. Review status: criteria provided, single submitter. Criteria: Ambry Variant Classification Scheme 2023. Collection method: clinical testing. Allele origin: germline.

Baylor Genetics
Classification: Uncertain significance for Polyps, multiple and recurrent inflammatory fibroid, gastrointestinal. Last evaluated: 2024-01-05. Review status: criteria provided, single submitter. Criteria: ACMG Guidelines, 2015. Collection method: clinical testing. Allele origin: unknown.

GeneDx
Classification: Uncertain significance. Last evaluated: 2023-11-15. Review status: criteria provided, single submitter. Criteria: GeneDx Variant Classification Process June 2021. Collection method: clinical testing. Allele origin: germline. Affected: yes.
Comment: Not observed at significant frequency in large population cohorts (gnomAD); In silico analysis supports that this missense variant does not alter protein structure/function; Has not been previously published as pathogenic or benign to our knowledge

NM_006206.6(PDGFRA):c.592T>A (p.Phe198Ile)

Gene: PDGFRA (platelet derived growth factor receptor alpha; plus strand). Cytogenetic location: 4q12.
Variant type: single nucleotide variant.
Coding change: c.592T>A on transcript NM_006206.6 (MANE Select); coding-DNA position 592, T replaced by A.
Protein change: p.Phe198Ile; replaces phenylalanine 198 with isoleucine.
Molecular consequence: missense variant.
Genome position (GRCh38, 1-based): chr4:54,263,891, T>A. VCF-style: chr4-54263891-T-A. GRCh37 (hg19) VCF-style: chr4-55130058-T-A.
Other names: c.592T>A (NM_006206.5); c.592T>A, p.Phe198Ile (NM_001347827.2, NM_001347829.2); c.667T>A, p.Phe223Ile (NM_001347828.2); c.631T>A, p.Phe211Ile (NM_001347830.2); short protein forms F198I, F211I, F223I.
Identifiers: ClinVar variation 1003659 (VCV001003659.21), dbSNP rs562479351, ClinGen allele CA2922317.